The following is an entry in ClinVar:

ClinVar aggregate classification (germline): Uncertain significance (1 of 4 stars; one submission).

Conditions:
Leigh syndrome (NULS). Also called: Leigh's necrotizing encephalopathy; Leigh's disease; Leigh Syndrome (mtDNA deletion); Leigh Disease; Subacute necrotizing encephalopathy; Necrotizing encephalopathy infantile subacute of Leigh. Identifiers: Orphanet 506, MedGen C2931891, MONDO:0009723, OMIM 256000.

Submission:

Wong Mito Lab, Molecular and Human Genetics, Baylor College of Medicine
Classification: Uncertain significance for Leigh syndrome. Last evaluated: 2019-10-17. Review status: criteria provided, single submitter. Criteria: Modified ACMG Guidelines (Unpublished). Collection method: clinical testing. Allele origin: germline.
Comment: The NC_012920.1:m.6868G>A (YP_003024028.1:p.Ser322Asn) variant in MTCO1 gene is interpretated to be a Uncertain Significance variant based on the modified ACMG guidelines (unpublished). This variant meets the following evidence codes: no criteria

NC_012920.1(MT-CO1):m.6868G>A

Gene: MT-CO1 (mitochondrially encoded cytochrome c oxidase I; plus strand).
Variant type: single nucleotide variant.
Genome position: chrM-6868-G-A.
Identifiers: ClinVar variation 692678 (VCV000692678.1), dbSNP rs1603220657, ClinGen allele CA414786892.